The following is an entry in ClinVar:

ClinVar aggregate classification (germline): Pathogenic/Likely pathogenic. Review status: criteria provided, multiple submitters, no conflicts (2 of 4 stars). 23 submissions from 23 submitters: Pathogenic (4); Likely pathogenic (13). 6 of the submissions do not count toward it. Last evaluated 2026-04-13.

Conditions:
Familial ovarian cancer. Identifiers: MedGen C5679802, MONDO:0016248.
Hereditary site-specific ovarian cancer syndrome. Identifiers: MedGen CN278678, MONDO:0016249.
RAD51C-related disorder. Also called: RAD51C-related condition; RAD51C-related disorders.
Breast and/or ovarian cancer. Identifiers: MedGen CN221562.
Hereditary cancer-predisposing syndrome. Also called: Tumor predisposition; Hereditary neoplastic syndrome; Hereditary Cancer Syndrome; Neoplastic Syndromes, Hereditary. Identifiers: Orphanet 140162, MedGen C0027672, MeSH D009386, MONDO:0015356.
Breast-ovarian cancer, familial, susceptibility to, 3. Also called: RAD51C-Related Breast/Ovarian Cancer. Identifiers: Orphanet 145, MedGen C3150659, MONDO:0013253, OMIM 613399.
Fanconi anemia complementation group O. Also called: RAD51C-Related Fanconi Anemia. Identifiers: Orphanet 84, MedGen C3150653, MONDO:0013248, OMIM 613390.
Hereditary breast ovarian cancer syndrome. Also called: Hereditary breast and ovarian cancer; Hereditary breast and/or ovarian cancer syndrome; BRCA1- and BRCA2-Associated Hereditary Breast and Ovarian Cancer; Hereditary breast and ovarian cancer syndrome (HBOC); Hereditary breast and ovarian cancer syndrome; Breast and ovarian cancer. Identifiers: Orphanet 145, MedGen C0677776, MeSH D061325, MONDO:0003582. Disease mechanism: loss of function.

Allele frequency attached by ClinVar (database versions not stated): TOPMed below 0.00001; ExAC 0.00001; gnomAD 0.00001; gnomAD exomes 0.00001 and 0.00002.
gnomAD v4.1: 14 of 1,602,834 alleles (0.00087%); highest among the groups gnomAD compares: African/African-American, 0.0013%; no homozygotes.

Submissions 1 to 9 of 23:

Women's Health and Genetics/Laboratory Corporation of America, LabCorp
Classification: Pathogenic for Hereditary breast ovarian cancer syndrome. Last evaluated: 2026-04-13. Review status: criteria provided, single submitter. Criteria: LabCorp Variant Classification Summary - May 2015. Collection method: clinical testing. Allele origin: germline.
Comment: Variant summary: RAD51C c.904+5G>T alters a conserved nucleotide located close to a canonical splice site and therefore could affect mRNA splicing, leading to a significantly altered protein sequence. Several computational tools predict a significant impact on normal splicing: Three predict the variant abolishes the canonical 5' splicing donor site. Three predict the variant abolishes a cryptic intronic 5' donor site. The impact on splicing has been confirmed by functional studies showing the variant leads to exon 6 exclusion (Meindl_2010). The variant allele was found at a frequency of 1.6e-05 in 245382 control chromosomes. c.904+5G>T has been reported in the literature in individuals affected with Hereditary Breast and Ovarian Cancer (Loveday_2012, Lu_2018), including a family in which the variant segregated with disease in 3 affected individuals (Meindl_2010). These data indicate that the variant is likely to be associated with disease. The following publications have been ascertained in the context of this evaluation (PMID: 20400964, 22538716, 30128536). ClinVar contains an entry for this variant (Variation ID: 142762). Based on the evidence outlined above, the variant was classified as pathogenic.

Labcorp Genetics (formerly Invitae), Labcorp
Classification: Pathogenic for Fanconi anemia complementation group O. Last evaluated: 2026-01-22. Review status: criteria provided, single submitter. Criteria: Invitae Variant Classification Sherloc (09022015). Collection method: clinical testing. Allele origin: germline.
Comment: This sequence change falls in intron 6 of the RAD51C gene. It does not directly change the encoded amino acid sequence of the RAD51C protein. RNA analysis indicates that this variant induces altered splicing and may result in an absent or altered protein product. This variant is present in population databases (rs587782702, gnomAD 0.004%). This variant has been observed in individual(s) with breast and/or ovarian cancer (PMID: 20400964, 22538716, 24993905, 31300551, 32885271). It has also been observed to segregate with disease in related individuals. ClinVar contains an entry for this variant (Variation ID: 142762). Variants that disrupt the consensus splice site are a relatively common cause of aberrant splicing (PMID: 17576681, 9536098). Studies have shown that this variant alters mRNA splicing and is expected to lead to the loss of protein expression (PMID: 20400964, 31843900). For these reasons, this variant has been classified as Pathogenic.

PreventionGenetics, part of Exact Sciences
Classification: Likely pathogenic for RAD51C-related condition. Last evaluated: 2025-12-31. Review status: criteria provided, single submitter. Criteria: ACMG Guidelines, 2015. Collection method: clinical testing. Allele origin: germline.
Comment: The RAD51C c.904+5G>T variant is predicted to interfere with splicing. This variant has been reported in individuals with familial breast and ovarian cancer (Meindl et al. 2010. PubMed ID: 20400964; Table S1, Guglielmi et al. 2021. PubMed ID: 34299313; Arslan Ates et al. 2022. PubMed ID: 35734982) and found to segregate with the disorder in at least one family (Meindl et al. 2010. PubMed ID: 20400964). Functional analysis of this variant using patient RNA demonstrated abnormal splicing (Meindl et al. 2010. PubMed ID: 20400964; Table S5, Casadei et al. 2019. PubMed ID: 31843900). This variant is reported in 0.0035% of alleles in individuals of European (non-Finnish) descent in gnomAD and is interpreted as pathogenic/likely pathogenic in ClinVar (Variation ID: 142762). This variant is interpreted as likely pathogenic.

Institute of Human Genetics, FAU Erlangen, Friedrich-Alexander-Universität Erlangen-Nürnberg
Classification: Likely pathogenic. Last evaluated: 2025-10-16. Review status: criteria provided, single submitter. Criteria: Hauer et al. (Genet Med. 2018). Collection method: clinical testing. Allele origin: germline. Inheritance: Unknown mechanism. Affected: yes. Observed: 1 variant allele.
Comment: This variant has been identified by standard clinical testing. Selected ACMG criteria: Likely pathogenic (II):PP5;PP3;PM2;PS3

Ambry Genetics
Classification: Likely pathogenic for Hereditary cancer-predisposing syndrome. Last evaluated: 2025-05-27. Review status: criteria provided, single submitter. Criteria: Ambry Variant Classification Scheme 2023. Collection method: clinical testing. Allele origin: germline.
Comment: The c.904+5G>T intronic variant results from a G to T substitution 5 nucleotides after coding exon 6 in the RAD51C gene. This variant was reported in a hereditary breast and ovarian cancer (HBOC) kindred and segregated with both ovarian and early-onset breast cancer in this family. In the tested affected individuals, c.904+5G>T was associated with somatic loss of heterozygosity (LOH) in 2/2 analyzed tumors (1 breast and 1 ovarian) (Meindl A et al. Nat. Genet. 2010 May;42(5):410-4). This alteration has been identified in individuals diagnosed with ovarian cancer (Loveday C et al. Nat. Genet. 2012 May;44(5):475-6; Lerner-Ellis J et al. J Cancer Res Clin Oncol, 2021 Mar;147:871-879) and in multiple individuals diagnosed with breast cancer (Fostira F et al. J. Med. Genet., 2020 01;57:53-61). This nucleotide position is highly conserved in available vertebrate species. In silico splice site analysis predicts that this alteration will weaken the native splice donor site. RNA analyses have identified skipping of exon 6 in individuals with this alteration (Meindl A et al. Nat. Genet. 2010 May;42(5):410-4, Casadei S et al. Proc. Natl. Acad. Sci. U.S.A., 2019 Dec; Ambry internal data). Based on the majority of available evidence to date, this variant is likely to be pathogenic.

Color Diagnostics, LLC DBA Color Health
Classification: Pathogenic for Hereditary cancer-predisposing syndrome. Last evaluated: 2025-04-15. Review status: criteria provided, single submitter. Criteria: ACMG Guidelines, 2015. Collection method: clinical testing. Allele origin: germline.
Comment: This variant causes a G to T nucleotide substitution at the +5 position of intron 6 of the RAD51C gene. Functional RNA studies have shown that this variant results in abnormal RNA splicing, creating a premature translation stop signal in the RNA transcript (PMID: 20400964, 31843900). The aberrant transcripts are expected to result in an absent or non-functional protein product. This variant has been reported in at least five individuals affected with ovarian cancer (PMID: 20400964, 22538716, 31300551, 32885271, 34299313, 35261632) and several individuals affected with familial breast cancer (PMID: 31300551, 34299313, 35734982) This variant has been identified in 4/250536 chromosomes in the general population by the Genome Aggregation Database (gnomAD). Loss of RAD51C function is a known mechanism of disease. Based on the available evidence, this variant is classified as Pathogenic.

Center for Genomic Medicine, Rigshospitalet, Copenhagen University Hospital
Classification: Likely pathogenic. Last evaluated: 2025-03-04. Review status: criteria provided, single submitter. Criteria: ACMG Guidelines, 2015. Collection method: clinical testing. Allele origin: germline.

Molecular Pathology, Peter Maccallum Cancer Centre
Classification: Likely pathogenic for Familial ovarian cancer. Last evaluated: 2024-12-16. Review status: criteria provided, single submitter. Criteria: ACMG Guidelines, 2015. Collection method: clinical testing. Allele origin: germline. Inheritance: Autosomal dominant inheritance.

Quest Diagnostics Nichols Institute San Juan Capistrano
Classification: Pathogenic. Last evaluated: 2024-05-10. Review status: criteria provided, single submitter. Criteria: Quest Diagnostics criteria. Collection method: clinical testing. Allele origin: unknown.
Comment: The RAD51C c.904+5G>T variant has been reported in the published literature in individuals with breast and/or ovarian cancer (PMID: 35734982 (2022), 35261632 (2022), 34299313 (2021), 32885271 (2021), 31300551 (2020), 24993905 (2014), 22538716 (2012), 20400964 (2010)). A splicing study showed damaging results regarding the variant's impact on normal RAD51C mRNA splicing (PMID: 31843900 (2019)). The frequency of this variant in the general population, 0.000035 (4/113520 chromosomes (Genome Aggregation Database)), is uninformative in the assessment of its pathogenicity. Analysis of this variant using software algorithms for the prediction of the effect of nucleotide changes on splicing yielded predictions that this variant may affect proper RAD51C mRNA splicing. Based on the available information, this variant is classified as pathogenic.

NM_058216.3(RAD51C):c.904+5G>T

Gene: RAD51C (RAD51 paralog C; plus strand). Cytogenetic location: 17q22.
Variant type: single nucleotide variant.
Coding change: c.904+5G>T on transcript NM_058216.3 (MANE Select); 5 bases into the intron after coding-DNA position 904, G replaced by T.
Molecular consequence: intron variant.
Genome position (GRCh38, 1-based): chr17:58,720,817, G>T. VCF-style: chr17-58720817-G-T. GRCh37 (hg19) VCF-style: chr17-56798178-G-T.
Other names: IVS5DS, G-T, +5; c.904+5G>T (LRG_314t1).
Identifiers: ClinVar variation 142762 (VCV000142762.80), dbSNP rs587782702, ClinGen allele CA169350.